The following is an entry in ClinVar:

ClinVar aggregate classification (germline): Likely pathogenic. Review status: criteria provided, single submitter (1 of 4 stars). 2 submissions from 2 submitters: Likely pathogenic (1). 1 of the submissions does not count toward it.

Conditions:
Bleeding disorder, platelet-type, 25 (BDPLT25). Identifiers: MedGen C5882683, MONDO:0957580, OMIM 620486.

Allele frequency attached by ClinVar (database versions not stated): ExAC 0.00001; gnomAD 0.00001; gnomAD exomes 0.00001; TOPMed 0.00002.
gnomAD v4.1: 12 of 1,611,928 alleles (0.00074%); highest among the groups gnomAD compares: South Asian, 0.0044%; no homozygotes.

Submissions (2):

Juno Genomics, Hangzhou Juno Genomics, Inc
Classification: Likely pathogenic for Bleeding disorder, platelet-type, 25. Review status: criteria provided, single submitter. Criteria: ACMG Guidelines, 2015. Collection method: clinical testing. Allele origin: germline.
Comment: Absent from controls (or at extremely low frequency if recessive) in Genome Aggregation Database.;Multiple lines of computational evidence support a deleterious effect on the gene or gene product.;Located in a mutational hot spot and/or critical and well-established functional domain without benign variation.;Patient's phenotype or family history is highly specific for a disease with a single genetic etiology.

OMIM
Classification: Pathogenic for BLEEDING DISORDER, PLATELET-TYPE, 25. Last evaluated: 2023-08-28. Review status: no assertion criteria provided. Collection method: literature only. Allele origin: germline. Not counted in ClinVar's aggregate classification.

Literature cited by the submitters: PubMed 34758189 (cited by OMIM).

NM_003290.3(TPM4):c.436C>T (p.Arg146Cys)

Gene: TPM4 (tropomyosin 4; plus strand). Cytogenetic location: 19p13.12.
Variant type: single nucleotide variant.
Coding change: c.436C>T on transcript NM_003290.3 (MANE Select); coding-DNA position 436, C replaced by T.
Protein change: p.Arg146Cys; replaces arginine 146 with cysteine.
Molecular consequence: missense variant.
Genome position (GRCh38, 1-based): chr19:16,088,078, C>T. VCF-style: chr19-16088078-C-T. GRCh37 (hg19) VCF-style: chr19-16198888-C-T.
Other names: c.544C>T, p.Arg182Cys (NM_001145160.2); c.496C>T, p.Arg166Cys (NM_001367836.1); c.436C>T, p.Arg146Cys (NM_001367837.2); c.427C>T, p.Arg143Cys (NM_001367838.1); short protein forms R182C, R143C, R146C, R166C.
Identifiers: ClinVar variation 2577543 (VCV002577543.3), dbSNP rs752488156, ClinGen allele CA9275443.